The following is an entry in ClinVar:

NM_000516.7(GNAS):c.31_38del (p.Asp11fs)

Gene: GNAS (GNAS complex locus; plus strand). Cytogenetic location: 20q13.32.
Variant type: Deletion.
Coding change: c.31_38del on transcript NM_000516.7 (MANE Select); coding-DNA positions 31 to 38, 8 bases deleted (GACCAGCG; older notation c.31_38delGACCAGCG).
Protein change: p.Asp11fs; shifts the reading frame from aspartic acid 11.
Molecular consequence: frameshift variant. On other transcripts: intron variant (8).
Genome position (GRCh38, 1-based): chr20:58,891,757-58,891,764, GACCAGCG deleted; deleting any 8 consecutive bases within chr20:58,891,756-58,891,764 gives the same sequence; the c. name uses the placement nearest the transcript's 3' end. VCF-style (leftmost placement, unchanged base first): chr20-58891755-AGGACCAGC-A. GRCh37 (hg19) VCF-style: chr20-57466810-AGGACCAGC-A.
Other names: c.31_38del, p.Asp11fs (NM_001077488.5, NM_001077489.4, NM_001309842.2 and 1 more transcripts); c.*43-3855_*43-3848del (NM_016592.5); c.44-3855_44-3848del (NM_001410912.1); c.-38-3855_-38-3848del (NM_001309861.2); c.*1-3855_*1-3848del (NM_001077490.3); c.2069-3855_2069-3848del (NM_080425.4, NM_001410913.1); c.*159-3855_*159-3848del (NM_001309883.1); c.-39+2404_-39+2411del (NM_001309840.2); short protein forms D11fs.
Identifiers: ClinVar variation 3256585 (VCV003256585.1).

ClinVar aggregate classification (germline): Likely pathogenic (1 of 4 stars; one submission).

Conditions:
Pseudohypoparathyroidism type I A (PHP1A). Also called: Pseudohypoparathyroidism Ia (PHP-Ia); Pseudohypoparathyroidism Type IA; ALBRIGHT HEREDITARY OSTEODYSTROPHY WITH MULTIPLE HORMONE RESISTANCE; PHP IA; Pseudohypoparathyroidism type 1A. Identifiers: Orphanet 79443, MedGen C3494506, MONDO:0007078, OMIM 103580.

Submission:

Laboratory of Medical Genetics, National & Kapodistrian University of Athens
Classification: Likely pathogenic for Pseudohypoparathyroidism type I A. Last evaluated: 2024-02-09. Review status: criteria provided, single submitter. Criteria: ACMG Guidelines, 2015. Collection method: clinical testing. Allele origin: germline. Affected: yes.
Comment: PVS1, PM2 - The variant is expected to result in an absent or disrupted protein product. Low frequency in gnomAD population databases.